The following is an entry in ClinVar:

ClinVar aggregate classification (germline): Likely pathogenic (1 of 4 stars; one submission).

Conditions:
Primary ciliary dyskinesia. Also called: Ciliary dyskinesia. Identifiers: Orphanet 244, MedGen C0008780, MONDO:0016575, HP:0012265.

Allele frequency attached by ClinVar (database versions not stated): gnomAD exomes below 0.00001; ExAC 0.00001; gnomAD 0.00001; 1000 Genomes Project 30x 0.00016; 1000 Genomes Project 0.00020.
gnomAD v4.1: 2 of 1,614,188 alleles (0.00012%); highest among the groups gnomAD compares: South Asian, 0.0011%; no homozygotes.

Submission:

Labcorp Genetics (formerly Invitae), Labcorp
Classification: Likely pathogenic for Primary ciliary dyskinesia. Last evaluated: 2022-08-09. Review status: criteria provided, single submitter. Criteria: Invitae Variant Classification Sherloc (09022015). Collection method: clinical testing. Allele origin: germline.
Comment: In summary, the currently available evidence indicates that the variant is pathogenic, but additional data are needed to prove that conclusively. Therefore, this variant has been classified as Likely Pathogenic. Algorithms developed to predict the effect of sequence changes on RNA splicing suggest that this variant may disrupt the consensus splice site. ClinVar contains an entry for this variant (Variation ID: 1067191). This variant has not been reported in the literature in individuals affected with DNAI1-related conditions. This variant is present in population databases (rs532919927, gnomAD 0.003%). This sequence change affects a donor splice site in intron 8 of the DNAI1 gene. It is expected to disrupt RNA splicing. Variants that disrupt the donor or acceptor splice site typically lead to a loss of protein function (PMID: 16199547), and loss-of-function variants in DNAI1 are known to be pathogenic (PMID: 16858015, 29363216).

Literature cited by the submitters: PubMed 16199547; PubMed 16858015; PubMed 29363216.

NM_012144.4(DNAI1):c.681+1G>A

Gene: DNAI1 (dynein axonemal intermediate chain 1; plus strand). Cytogenetic location: 9p13.3.
Variant type: single nucleotide variant.
Coding change: c.681+1G>A on transcript NM_012144.4 (MANE Select); the canonical splice donor site of the intron after coding-DNA position 681, G replaced by A.
Molecular consequence: splice donor variant.
Genome position (GRCh38, 1-based): chr9:34,491,555, G>A. VCF-style: chr9-34491555-G-A. GRCh37 (hg19) VCF-style: chr9-34491553-G-A.
Other names: c.693+1G>A (NM_001281428.2).
Identifiers: ClinVar variation 1067191 (VCV001067191.7), dbSNP rs532919927, ClinGen allele CA5034146.
Genomic context (GRCh38, chr9:34,491,555, plus strand): 5'-GATCGAGAATGCCAGACGGAGCCTCCTCCCAGGACAAACTTTTCAGCCACAGCCAATCAG[G>A]TAAGACCCTGGGCCAGCCTGAAACCTCTTACCACCCACCTCTATGTATCCTTTCCTCATT-3'